The following is an entry in ClinVar:

ClinVar aggregate classification (germline): Conflicting classifications of pathogenicity. Review status: criteria provided, conflicting classifications (1 of 4 stars). 9 submissions from 9 submitters: Uncertain significance (5); Likely benign (4). Last evaluated 2025-05-23.

Conditions:
Dilated cardiomyopathy 1G (CMD1G). Identifiers: Orphanet 154, MedGen C1858763, MONDO:0011400, OMIM 604145.
Autosomal recessive limb-girdle muscular dystrophy type 2J (LGMDR10). Also called: Limb-girdle muscular dystrophy, type 2J; MUSCULAR DYSTROPHY, LIMB-GIRDLE, AUTOSOMAL RECESSIVE 10. Identifiers: Orphanet 140922, MedGen C1837342, MONDO:0012127, OMIM 608807.
TTN-related disorder. Also called: TTN-related condition; TTN-related disease; TTN-related disorders.

Allele frequency attached by ClinVar (database versions not stated): TOPMed 0.00013; ESP Exome Variant Server 0.00034; ExAC 0.00008; gnomAD 0.00009; gnomAD exomes 0.00009 and 0.00012.
gnomAD v4.1: 190 of 1,613,218 alleles (0.012%); highest among the groups gnomAD compares: Middle Eastern, 0.033%; 2 homozygotes.

Submissions (9):

PreventionGenetics, part of Exact Sciences
Classification: Likely benign for TTN-related condition. Last evaluated: 2025-05-23. Review status: criteria provided, single submitter. Criteria: ACMG Guidelines, 2015. Collection method: clinical testing. Allele origin: germline.
Comment: This variant is classified as likely benign based on ACMG/AMP sequence variant interpretation guidelines (Richards et al. 2015 PMID: 25741868, with internal and published modifications).

Molecular Diagnostic Laboratory for Inherited Cardiovascular Disease, Montreal Heart Institute
Classification: Likely benign. Last evaluated: 2025-04-09. Review status: criteria provided, single submitter. Criteria: ACMG Guidelines, 2015. Collection method: clinical testing. Allele origin: germline. Affected: no.

Mayo Clinic Laboratories, Mayo Clinic
Classification: Likely benign. Last evaluated: 2023-10-27. Review status: criteria provided, single submitter. Criteria: ACMG Guidelines, 2015. Collection method: clinical testing. Allele origin: germline. Observed: 2 variant alleles.
Comment: BP1, BP4, BP5

Revvity Omics, Revvity
Classification: Uncertain significance. Last evaluated: 2022-08-10. Review status: criteria provided, single submitter. Criteria: ACMG Guidelines, 2015. Collection method: clinical testing. Allele origin: germline.

Athena Diagnostics
Classification: Uncertain significance. Last evaluated: 2021-11-24. Review status: criteria provided, single submitter. Criteria: Athena Diagnostics Criteria. Collection method: clinical testing. Allele origin: unknown.

GeneDx
Classification: Likely benign. Last evaluated: 2018-10-15. Review status: criteria provided, single submitter. Criteria: GeneDx Variant Classification Process June 2021. Collection method: clinical testing. Allele origin: germline. Affected: yes.

Eurofins Ntd Llc (ga)
Classification: Uncertain significance. Last evaluated: 2017-11-28. Review status: criteria provided, single submitter. Criteria: EGL Classification Definitions 2015. Collection method: clinical testing. Allele origin: germline. Observed: 6 variant alleles, 6 heterozygotes.

Labcorp Genetics (formerly Invitae), Labcorp
Classification: Uncertain significance for Dilated cardiomyopathy 1G; Autosomal recessive limb-girdle muscular dystrophy type 2J. Last evaluated: 2017-08-16. Review status: criteria provided, single submitter. Criteria: Invitae Variant Classification Sherloc (09022015). Collection method: clinical testing. Allele origin: germline.

Laboratory for Molecular Medicine, Mass General Brigham Personalized Medicine
Classification: Uncertain significance. Last evaluated: 2014-07-10. Review status: criteria provided, single submitter. Criteria: LMM Criteria. Collection method: clinical testing. Allele origin: germline. Observed: 1 variant allele.
Comment: Variant classified as Uncertain Significance - Favor Benign. The Ile4692Val vari ant in TTN has not been previously reported in individuals with cardiomyopathy, but has been identified in 4/8184 European American chromosomes and by the NHLBI Exome Sequencing Project (dbSNP rs72648945). Isoleucine (Ile) at position 4692 is not conserved in evolutionarily distant sp ecies and 15 birds and 2 reptiles carry a valine (Val) at this position, raising the possibility that a change at this position may be tolerated. In summary, wh ile the clinical significance of the Ile4692Val variant is uncertain, conservati on data suggest that it is more likely to be benign.

NM_001267550.2(TTN):c.17806A>G (p.Ile5936Val)

Gene: TTN (titin; minus strand). Cytogenetic location: 2q31.2.
Variant type: single nucleotide variant.
Coding change: c.17806A>G on transcript NM_001267550.2 (MANE Select); coding-DNA position 17806, A replaced by G.
Protein change: p.Ile5936Val; replaces isoleucine 5936 with valine.
Molecular consequence: missense variant. On other transcripts: intron variant (3).
Genome position (GRCh38, 1-based): chr2:178,730,727, T>C on the plus strand (A>G on the coding strand, the complement: TTN is on the minus strand). VCF-style: chr2-178730727-T-C. GRCh37 (hg19) VCF-style: chr2-179595454-T-C.
Other names: p.I5619V:ATT>GTT; p.Ile5619Val; c.16855A>G, p.Ile5619Val (NM_001256850.1); c.14074A>G, p.Ile4692Val (NM_133378.4); c.13282+7355A>G (NM_003319.4); c.13858+7355A>G (NM_133437.4); c.13657+7355A>G (NM_133432.3); c.17806A>G (NM_001267550.1); short protein forms I4692V, I5936V, I5619V.
Identifiers: ClinVar variation 178253 (VCV000178253.20), dbSNP rs72648945, ClinGen allele CA181923.
Genomic context (GRCh38, chr2:178,730,727, plus strand): 5'-CATCTTTGAACCACTGGATGCTTATGGGATGTGACCCAGCCACTATACATTCTAAATCAA[T>C]GAAAGAACCTTTAATGCTGTCCATTTTCTTCAGCTTTTTGGTGAATGAAGGAGGTATGAT-3'
Protein context (NP_001254479.2, residues 5926-5946): KKMDSIKGSF[Ile5936Val]DLECIVAGSH